The following is an entry in ClinVar:

ClinVar aggregate classification (germline): Likely pathogenic (1 of 4 stars; one submission).

Submission:

Labcorp Genetics (formerly Invitae), Labcorp
Classification: Likely pathogenic. Last evaluated: 2022-07-12. Review status: criteria provided, single submitter. Criteria: Invitae Variant Classification Sherloc (09022015). Collection method: clinical testing. Allele origin: germline.
Comment: This variant is not present in population databases (gnomAD no frequency). This sequence change affects an acceptor splice site in intron 30 of the COL4A3 gene. It is expected to disrupt RNA splicing. Variants that disrupt the donor or acceptor splice site typically lead to a loss of protein function (PMID: 16199547), and loss-of-function variants in COL4A3 are known to be pathogenic (PMID: 8956999, 24854265, 26809805, 27281700). This variant has not been reported in the literature in individuals affected with COL4A3-related conditions. ClinVar contains an entry for this variant (Variation ID: 1486206). Algorithms developed to predict the effect of sequence changes on RNA splicing suggest that this variant may disrupt the consensus splice site. In summary, the currently available evidence indicates that the variant is pathogenic, but additional data are needed to prove that conclusively. Therefore, this variant has been classified as Likely Pathogenic.

Literature cited by the submitters: PubMed 16199547; PubMed 8956999; PubMed 24854265; PubMed 26809805; PubMed 27281700.

NM_000091.5(COL4A3):c.2375-2A>T

Genes: COL4A3 (collagen type IV alpha 3 chain; plus strand), MFF-DT (MFF divergent transcript; minus strand). Cytogenetic location: 2q36.3.
Variant type: single nucleotide variant.
Coding change: c.2375-2A>T on transcript NM_000091.5 (MANE Select); the canonical splice acceptor site of the intron before coding-DNA position 2375, A replaced by T.
Molecular consequence: splice acceptor variant.
Genome position (GRCh38, 1-based): chr2:227,280,891, A>T. VCF-style: chr2-227280891-A-T. GRCh37 (hg19) VCF-style: chr2-228145607-A-T.
Identifiers: ClinVar variation 1486206 (VCV001486206.6), dbSNP rs2071916145, ClinGen allele CA350849347.